The following is an entry in ClinVar:

ClinVar aggregate classification (germline): Uncertain significance (1 of 4 stars; one submission).

Conditions:
Joubert syndrome. Also called: CEREBELLOPARENCHYMAL DISORDER IV; JOUBERT-BOLTSHAUSER SYNDROME; Familial aplasia of the vermis. Identifiers: Orphanet 475, MedGen C5979921, MONDO:0018772.
Orofaciodigital syndrome I (OFD1). Also called: OFDS I; Papillon-Leage and Psaume Syndrome; Oral-Facial-Digital Syndrome Type I. Identifiers: Orphanet 2750, MedGen C1510460, MONDO:0010702, OMIM 311200.

Submission:

Labcorp Genetics (formerly Invitae), Labcorp
Classification: Uncertain significance for Orofaciodigital syndrome I; Joubert syndrome. Last evaluated: 2024-06-29. Review status: criteria provided, single submitter. Criteria: Invitae Variant Classification Sherloc (09022015). Collection method: clinical testing. Allele origin: germline.
Comment: This sequence change replaces glutamine, which is neutral and polar, with glutamic acid, which is acidic and polar, at codon 872 of the OFD1 protein (p.Gln872Glu). This variant is not present in population databases (gnomAD no frequency). This variant has not been reported in the literature in individuals affected with OFD1-related conditions. Advanced modeling of protein sequence and biophysical properties (such as structural, functional, and spatial information, amino acid conservation, physicochemical variation, residue mobility, and thermodynamic stability) performed at Invitae indicates that this missense variant is not expected to disrupt OFD1 protein function with a negative predictive value of 80%. In summary, the available evidence is currently insufficient to determine the role of this variant in disease. Therefore, it has been classified as a Variant of Uncertain Significance.

NM_003611.3(OFD1):c.2614C>G (p.Gln872Glu)

Gene: OFD1 (OFD1 centriole and centriolar satellite protein; plus strand). Cytogenetic location: Xp22.2.
Variant type: single nucleotide variant.
Coding change: c.2614C>G on transcript NM_003611.3 (MANE Select); coding-DNA position 2614, C replaced by G.
Protein change: p.Gln872Glu; replaces glutamine 872 with glutamic acid.
Molecular consequence: missense variant.
Genome position (GRCh38, 1-based): chrX:13,767,141, C>G. VCF-style: chrX-13767141-C-G. GRCh37 (hg19) VCF-style: chrX-13785260-C-G.
Other names: c.2494C>G, p.Gln832Glu (NM_001330209.2); c.2194C>G, p.Gln732Glu (NM_001330210.2); short protein forms Q732E, Q832E, Q872E.
Identifiers: ClinVar variation 3751734 (VCV003751734.2).
Genomic context (GRCh38, chrX:13,767,141, plus strand): 5'-GAATAATCTGATACTGGAAGCTACTCTTTATTTTCTGTCCTATTAGGTGTAGATCAGAAA[C>G]AAATTGAAGAACAAAAGGAAGAAGAAAAAATACGGGAACAGCAAGTGAAAGAACGAAGGC-3'
Protein context (NP_003602.1, residues 862-882): SYQHPSVDQK[Gln872Glu]IEEQKEEEKI